The following is an entry in ClinVar:

ClinVar aggregate classification (germline): Uncertain significance (1 of 4 stars; one submission).

Allele frequency attached by ClinVar (database versions not stated): gnomAD 0.00001; ExAC 0.00001; gnomAD exomes 0.00001; TOPMed 0.00001.
gnomAD v4.1: 6 of 1,613,916 alleles (0.00037%); highest among the groups gnomAD compares: Non-Finnish European, 0.00051%; no homozygotes.

Submission:

Labcorp Genetics (formerly Invitae), Labcorp
Classification: Uncertain significance. Last evaluated: 2022-08-10. Review status: criteria provided, single submitter. Criteria: Invitae Variant Classification Sherloc (09022015). Collection method: clinical testing. Allele origin: germline.
Comment: Algorithms developed to predict the effect of missense changes on protein structure and function output the following: SIFT: "Tolerated"; PolyPhen-2: "Benign"; Align-GVGD: "Class C0". The alanine amino acid residue is found in multiple mammalian species, which suggests that this missense change does not adversely affect protein function. ClinVar contains an entry for this variant (Variation ID: 1489317). This variant has not been reported in the literature in individuals affected with NUP62-related conditions. This variant is present in population databases (rs771041868, gnomAD 0.0009%). This sequence change replaces threonine, which is neutral and polar, with alanine, which is neutral and non-polar, at codon 199 of the NUP62 protein (p.Thr199Ala). In summary, the available evidence is currently insufficient to determine the role of this variant in disease. Therefore, it has been classified as a Variant of Uncertain Significance.

NM_016553.5(NUP62):c.595A>G (p.Thr199Ala)

Genes: IL4I1 (interleukin 4 induced 1; minus strand), NUP62 (nucleoporin 62; minus strand). Cytogenetic location: 19q13.33.
Variant type: single nucleotide variant.
Coding change: c.595A>G on transcript NM_016553.5 (MANE Select); coding-DNA position 595, A replaced by G.
Protein change: p.Thr199Ala; replaces threonine 199 with alanine.
Molecular consequence: missense variant. On other transcripts: intron variant (3).
Genome position (GRCh38, 1-based): chr19:49,909,213, T>C on the plus strand (A>G on the coding strand, the complement: NUP62 is on the minus strand). VCF-style: chr19-49909213-T-C. GRCh37 (hg19) VCF-style: chr19-50412470-T-C.
Other names: c.595A>G, p.Thr199Ala (NM_001193357.2, NM_012346.5, NM_153718.4 and 1 more transcripts); c.-227-4892A>G (NM_001258017.2, NM_172374.3); c.-285-4892A>G (NM_001258018.2); short protein forms T199A.
Identifiers: ClinVar variation 1489317 (VCV001489317.6), dbSNP rs771041868, ClinGen allele CA9589101.